The following is an entry in ClinVar:

ClinVar aggregate classification (germline): Uncertain significance (1 of 4 stars; one submission).

Conditions:
Pitt-Hopkins-like syndrome 2 (PTHSL2). Identifiers: Orphanet 221150, Orphanet 600663, MedGen C3280479, MONDO:0013690, OMIM 614325.

Allele frequency attached by ClinVar (database versions not stated): gnomAD 0.00001; TOPMed 0.00001.
gnomAD v4.1: 2 of 1,612,842 alleles (0.00012%); highest among the groups gnomAD compares: Admixed American, 0.0017%; no homozygotes.

Submission:

Labcorp Genetics (formerly Invitae), Labcorp
Classification: Uncertain significance for Pitt-Hopkins-like syndrome 2. Last evaluated: 2025-12-31. Review status: criteria provided, single submitter. Criteria: Invitae Variant Classification Sherloc (09022015). Collection method: clinical testing. Allele origin: germline.
Comment: This sequence change replaces aspartic acid, which is acidic and polar, with asparagine, which is neutral and polar, at codon 866 of the NRXN1 protein (p.Asp866Asn). This variant is not present in population databases (gnomAD no frequency). This variant has not been reported in the literature in individuals affected with NRXN1-related conditions. ClinVar contains an entry for this variant (Variation ID: 472641). An algorithm developed to predict the effect of missense changes on protein structure and function (PolyPhen-2) suggests that this variant is likely to be disruptive. In summary, the available evidence is currently insufficient to determine the role of this variant in disease. Therefore, it has been classified as a Variant of Uncertain Significance.

NM_001330078.2(NRXN1):c.2476G>A (p.Asp826Asn)

Gene: NRXN1 (neurexin 1; minus strand). Cytogenetic location: 2p16.3.
Variant type: single nucleotide variant.
Coding change: c.2476G>A on transcript NM_001330078.2 (MANE Select); coding-DNA position 2476, G replaced by A.
Protein change: p.Asp826Asn; replaces aspartic acid 826 with asparagine.
Molecular consequence: missense variant.
Genome position (GRCh38, 1-based): chr2:50,506,516, C>T on the plus strand (G>A on the coding strand, the complement: NRXN1 is on the minus strand). VCF-style: chr2-50506516-C-T. GRCh37 (hg19) VCF-style: chr2-50733654-C-T.
Other names: c.2410G>A, p.Asp804Asn (NM_001330084.2, NM_001330083.2); c.2449G>A, p.Asp817Asn (NM_001330085.2); c.2476G>A, p.Asp826Asn (NM_001330086.2, NM_004801.6); c.2473G>A, p.Asp825Asn (NM_001330093.2); c.2464G>A, p.Asp822Asn (NM_001330094.2); c.2425G>A, p.Asp809Asn (NM_001330095.2); c.2365G>A, p.Asp789Asn (NM_001330096.2, NM_001330087.2); c.2395G>A, p.Asp799Asn (NM_001330088.2); and 2 more; short protein forms D866N, D804N, D826N, D789N, D799N, D809N, D817N, D818N.
Identifiers: ClinVar variation 472641 (VCV000472641.8), dbSNP rs3185852, ClinGen allele CA47370185.
Genomic context (GRCh38, chr2:50,506,516, plus strand): 5'-CGTTAGCATAGGAAAAGACAATGGGACAGAGGTGTTTACCTGTCATGGCCTGTTGGTCAT[C>T]CACTGTTAACTTTAAACTTTTTCCACGCCGAACTACACGCACTGTGTGCCACTCGTTATC-3'
Protein context (NP_001317007.1, residues 816-836): RRGKSLKLTV[Asp826Asn]DQQAMTGQMA